The following is an entry in ClinVar:

NM_020831.6(MRTFA):c.1993GCCCCC[4] (p.665AP[4])

Gene: MRTFA (myocardin related transcription factor A; minus strand). Cytogenetic location: 22q13.1.
Variant type: Microsatellite.
Coding change: c.1993GCCCCC[4] on transcript NM_020831.6 (MANE Select); four copies in a row of the 6-base unit GCCCCC starting at c.1993; the reference has three copies in a row; one copy, 6 bases duplicated; also written c.2005_2010dup.
Protein change: p.665AP[4].
Molecular consequence: inframe insertion.
Genome position (GRCh38, 1-based): chr22:40,418,728-40,418,733, GGGGGC duplicated on the plus strand (GCCCCC on the coding strand, the reverse complement: MRTFA is on the minus strand); duplicating any 6 consecutive bases within chr22:40,418,728-40,418,748 gives the same sequence; the position shown is the placement nearest the transcript's 3' end. VCF-style (leftmost placement, unchanged base first): chr22-40418727-G-GGGGGGC. GRCh37 (hg19) VCF-style: chr22-40814731-G-GGGGGGC.
Other names: c.1693GCCCCC[4], p.565AP[4] (NM_001282660.2); c.1843GCCCCC[4], p.615AP[4] (NM_001282661.3); c.1993GCCCCC[4], p.665AP[4] (NM_001282662.3); c.1798GCCCCC[4], p.600AP[4] (NM_001318139.2); c.1705_1710dup6 (NM_020831.4); c.2005_2010dup (NM_020831.5).
Identifiers: ClinVar variation 1683005 (VCV001683005.11), dbSNP rs754085988, ClinGen allele CA10249471.
Genomic context (GRCh38, chr22:40,418,727, plus strand): 5'-GGGGCTGCTGGCTCAGCTGGCAGCTGGAGAAGCTGTTCTCCTGCTTCACGGGGGTGCCGA[G>GGGGGGC]GGGGGCGGGGGCGGGGGCGGGCTGCTGGGCTCGCTTCTCCTGCTCCAGCTGCAGCTTGAG-3'

ClinVar aggregate classification (germline): Conflicting classifications of pathogenicity. Review status: criteria provided, conflicting classifications (1 of 4 stars). 5 submissions from 5 submitters: Uncertain significance (3); Likely benign (2). Last evaluated 2026-01-07.

Conditions:
MRTFA-related disorder. Also called: MRTFA-related condition.

Submissions (5):

Labcorp Genetics (formerly Invitae), Labcorp
Classification: Uncertain significance. Last evaluated: 2026-01-07. Review status: criteria provided, single submitter. Criteria: Invitae Variant Classification Sherloc (09022015). Collection method: clinical testing. Allele origin: germline.
Comment: This variant, c.1705_1710dup, results in the insertion of 2 amino acid(s) of the MKL1 protein (p.Ala569_Pro570dup), but otherwise preserves the integrity of the reading frame. The frequency data for this variant in the population databases is considered unreliable, as metrics indicate poor data quality at this position in the gnomAD database. This variant has not been reported in the literature in individuals affected with MKL1-related conditions. Experimental studies and prediction algorithms are not available or were not evaluated, and the functional significance of this variant is currently unknown. In summary, the available evidence is currently insufficient to determine the role of this variant in disease. Therefore, it has been classified as a Variant of Uncertain Significance.

PreventionGenetics, part of Exact Sciences
Classification: Likely benign for MRTFA-related condition. Last evaluated: 2025-09-04. Review status: criteria provided, single submitter. Criteria: ACMG Guidelines, 2015. Collection method: clinical testing. Allele origin: germline.
Comment: This variant is classified as likely benign based on ACMG/AMP sequence variant interpretation guidelines (Richards et al. 2015 PMID: 25741868, with internal and published modifications).

Genetic Services Laboratory, University of Chicago
Classification: Uncertain significance. Last evaluated: 2025-07-24. Review status: criteria provided, single submitter. Criteria: ACMG Guidelines, 2015. Collection method: clinical testing. Allele origin: germline.
Comment: This in-frame duplication is predicted to result in the duplication of two amino acid residues, p.Ala669_Pro670dup. This duplication does not appear to have been previously described in individuals with MRTFA -related disorders. This sequence change has been described in the gnomAD database with a frequency of 0.028% (dbSNP rs755140147). The functional significance of this sequence change is not known at present and its contribution to this individual's disease phenotype cannot definitively be determined.

Blueprint Genetics
Classification: Likely benign. Last evaluated: 2024-10-16. Review status: criteria provided, single submitter. Criteria: ACMG Guidelines, 2015. Collection method: clinical testing. Allele origin: germline.

Breakthrough Genomics
Classification: Uncertain significance. Review status: criteria provided, single submitter. Criteria: ACMG Guidelines, 2015. Collection method: not provided. Allele origin: germline. Inheritance: Autosomal dominant inheritance. Affected: yes.